The following is an entry in ClinVar:

NM_021008.4(DEAF1):c.951C>G (p.Asp317Glu)

Gene: DEAF1 (DEAF1 transcription factor; minus strand). Cytogenetic location: 11p15.5.
Variant type: single nucleotide variant.
Coding change: c.951C>G on transcript NM_021008.4 (MANE Select); coding-DNA position 951, C replaced by G.
Protein change: p.Asp317Glu; replaces aspartic acid 317 with glutamic acid.
Molecular consequence: missense variant. On other transcripts: intron variant (1).
Genome position (GRCh38, 1-based): chr11:681,009, G>C on the plus strand (C>G on the coding strand, the complement: DEAF1 is on the minus strand). VCF-style: chr11-681009-G-C. GRCh37 (hg19) VCF-style: chr11-681009-G-C.
Other names: c.225C>G, p.Asp75Glu (NM_001367390.1, NM_001440885.1, NM_001440886.1 and 1 more transcripts); c.951C>G, p.Asp317Glu (NM_001440883.1, NM_001440884.1); c.731-1193C>G (NM_001293634.2); short protein forms D75E, D317E.
Identifiers: ClinVar variation 4746222 (VCV004746222.1).
Genomic context (GRCh38, chr11:681,009, plus strand): 5'-TTTCTCAAACTCACAGGTGGTAGCCGCGGTGGCTGGAAGCAATGTGATGTTCTTGGGGGA[G>C]TCCTTCTTCACGGGAGTTGTGGGCAGTTCATTCTCCTTCTTGCGCCTTTTGTAAGGCACA-3'
Protein context (NP_066288.2, residues 307-327): NELPTTPVKK[Asp317Glu]SPKNITLLPA

ClinVar aggregate classification (germline): Uncertain significance (1 of 4 stars; one submission).

Submission:

Labcorp Genetics (formerly Invitae), Labcorp
Classification: Uncertain significance. Last evaluated: 2026-01-13. Review status: criteria provided, single submitter. Criteria: Invitae Variant Classification Sherloc (09022015). Collection method: clinical testing. Allele origin: germline.
Comment: This sequence change replaces aspartic acid, which is acidic and polar, with glutamic acid, which is acidic and polar, at codon 317 of the DEAF1 protein (p.Asp317Glu). This variant is not present in population databases (gnomAD no frequency). This variant has not been reported in the literature in individuals affected with DEAF1-related conditions. Invitae Evidence Modeling of protein sequence and biophysical properties (such as structural, functional, and spatial information, amino acid conservation, physicochemical variation, residue mobility, and thermodynamic stability) indicates that this missense variant is not expected to disrupt DEAF1 protein function with a negative predictive value of 95%. In summary, the available evidence is currently insufficient to determine the role of this variant in disease. Therefore, it has been classified as a Variant of Uncertain Significance.